The following is an entry in ClinVar:

ClinVar aggregate classification (germline): Uncertain significance (1 of 4 stars; one submission).

Conditions:
Dyskeratosis congenita. Identifiers: Orphanet 1775, MedGen C0265965, MONDO:0015780.

Allele frequency attached by ClinVar (database versions not stated): ExAC 0.00002; gnomAD exomes 0.00003; gnomAD 0.00005; TOPMed 0.00006.
gnomAD v4.1: 53 of 1,614,052 alleles (0.0033%); highest among the groups gnomAD compares: African/African-American, 0.008%; no homozygotes.

Submission:

Labcorp Genetics (formerly Invitae), Labcorp
Classification: Uncertain significance for Dyskeratosis congenita. Last evaluated: 2025-09-22. Review status: criteria provided, single submitter. Criteria: Invitae Variant Classification Sherloc (09022015). Collection method: clinical testing. Allele origin: germline.
Comment: This sequence change replaces phenylalanine, which is neutral and non-polar, with serine, which is neutral and polar, at codon 418 of the TINF2 protein (p.Phe418Ser). This variant is present in population databases (rs773286175, gnomAD 0.007%). This variant has not been reported in the literature in individuals affected with TINF2-related conditions. ClinVar contains an entry for this variant (Variation ID: 459577). An algorithm developed to predict the effect of missense changes on protein structure and function (PolyPhen-2) suggests that this variant is likely to be tolerated. In summary, the available evidence is currently insufficient to determine the role of this variant in disease. Therefore, it has been classified as a Variant of Uncertain Significance.

NM_001099274.3(TINF2):c.1253T>C (p.Phe418Ser)

Gene: TINF2 (TERF1 interacting nuclear factor 2; minus strand). Cytogenetic location: 14q12.
Variant type: single nucleotide variant.
Coding change: c.1253T>C on transcript NM_001099274.3 (MANE Select); coding-DNA position 1253, T replaced by C.
Protein change: p.Phe418Ser; replaces phenylalanine 418 with serine.
Molecular consequence: missense variant. On other transcripts: 3 prime UTR variant (1).
Genome position (GRCh38, 1-based): chr14:24,239,900, A>G on the plus strand (T>C on the coding strand, the complement: TINF2 is on the minus strand). VCF-style: chr14-24239900-A-G. GRCh37 (hg19) VCF-style: chr14-24709106-A-G.
Other names: c.1148T>C, p.Phe383Ser (NM_001363668.2); c.*515T>C (NM_012461.3); short protein forms F418S, F383S.
Identifiers: ClinVar variation 459577 (VCV000459577.8), dbSNP rs773286175, ClinGen allele CA7130432.